The following is an entry in ClinVar:

NM_005477.3(HCN4):c.1563C>T (p.Asp521=)

Gene: HCN4 (hyperpolarization activated cyclic nucleotide gated potassium channel 4; minus strand). Cytogenetic location: 15q24.1.
Variant type: single nucleotide variant.
Coding change: c.1563C>T on transcript NM_005477.3 (MANE Select); coding-DNA position 1563, C replaced by T.
Protein change: p.Asp521=; no amino-acid change (aspartic acid 521 retained).
Molecular consequence: synonymous variant.
Genome position (GRCh38, 1-based): chr15:73,329,600, G>A on the plus strand (C>T on the coding strand, the complement: HCN4 is on the minus strand). VCF-style: chr15-73329600-G-A. GRCh37 (hg19) VCF-style: chr15-73621941-G-A.
Identifiers: ClinVar variation 538099 (VCV000538099.24), dbSNP rs201999732, ClinGen allele CA7649281.

ClinVar aggregate classification (germline): Likely benign. Review status: criteria provided, multiple submitters, no conflicts (2 of 4 stars). 3 submissions from 3 submitters: Likely benign (3). Last evaluated 2025-08-06.

Conditions:
Cardiovascular phenotype. Identifiers: MedGen CN230736.
Brugada syndrome 8 (BRGDA8). Identifiers: Orphanet 130, MedGen C2751083, MONDO:0013148, OMIM 613123.

Allele frequency attached by ClinVar (database versions not stated): gnomAD 0.00001; gnomAD exomes 0.00002; TOPMed 0.00002; ExAC 0.00004; 1000 Genomes Project 30x 0.00016; 1000 Genomes Project 0.00020.
gnomAD v4.1: 13 of 1,614,136 alleles (0.00081%); highest among the groups gnomAD compares: East Asian, 0.029%; no homozygotes.

Submissions (3):

Labcorp Genetics (formerly Invitae), Labcorp
Classification: Likely benign for Brugada syndrome 8. Last evaluated: 2025-08-06. Review status: criteria provided, single submitter. Criteria: Invitae Variant Classification Sherloc (09022015). Collection method: clinical testing. Allele origin: germline.

CeGaT Center for Human Genetics Tuebingen
Classification: Likely benign. Last evaluated: 2025-02-01. Review status: criteria provided, single submitter. Criteria: CeGaT Center For Human Genetics Tuebingen Variant Classification Criteria Version 2. Collection method: clinical testing. Allele origin: germline. Affected: yes. Observed: 1 variant allele.
Comment: HCN4: BP4, BP7

Ambry Genetics
Classification: Likely benign for Cardiovascular phenotype. Last evaluated: 2022-09-24. Review status: criteria provided, single submitter. Criteria: Ambry Variant Classification Scheme 2023. Collection method: clinical testing. Allele origin: germline.